The following is an entry in ClinVar:

ClinVar aggregate classification (germline): Pathogenic (1 of 4 stars; one submission).

Submission:

GeneDx
Classification: Pathogenic. Last evaluated: 2025-07-22. Review status: criteria provided, single submitter. Criteria: GeneDx Variant Classification Process June 2021. Collection method: clinical testing. Allele origin: germline. Affected: yes.
Comment: Not observed at significant frequency in large population cohorts (gnomAD); In silico analysis supports that this missense variant has a deleterious effect on protein structure/function; Has not been previously published as pathogenic or benign to our knowledge; This variant is associated with the following publications: (PMID: 31618753)

NM_001271.4(CHD2):c.3783G>T (p.Trp1261Cys)

Gene: CHD2 (chromodomain helicase DNA binding protein 2; plus strand). Cytogenetic location: 15q26.1.
Variant type: single nucleotide variant.
Coding change: c.3783G>T on transcript NM_001271.4 (MANE Select); coding-DNA position 3783, G replaced by T.
Protein change: p.Trp1261Cys; replaces tryptophan 1261 with cysteine.
Molecular consequence: missense variant.
Genome position (GRCh38, 1-based): chr15:92,997,301, G>T. VCF-style: chr15-92997301-G-T. GRCh37 (hg19) VCF-style: chr15-93540531-G-T.
Other names: short protein forms W1261C.
Identifiers: ClinVar variation 1684048 (VCV001684048.3), dbSNP rs2141867643, ClinGen allele CA393898412.